The following is an entry in ClinVar:

ClinVar aggregate classification (germline): Uncertain significance (1 of 4 stars; one submission).

Conditions:
Inborn genetic diseases. Identifiers: MedGen C0950123, MeSH D030342.

Allele frequency attached by ClinVar (database versions not stated): TOPMed below 0.00001.

Submission:

Ambry Genetics
Classification: Uncertain significance for Inborn genetic diseases. Last evaluated: 2022-09-30. Review status: criteria provided, single submitter. Criteria: Ambry Variant Classification Scheme 2023. Collection method: clinical testing. Allele origin: germline.
Comment: The p.E377V variant (also known as c.1130A>T), located in coding exon 12 of the ERCC2 gene, results from an A to T substitution at nucleotide position 1130. The glutamic acid at codon 377 is replaced by valine, an amino acid with dissimilar properties. This amino acid position is conserved. In addition, this alteration is predicted to be deleterious by in silico analysis. Since supporting evidence is limited at this time, the clinical significance of this alteration remains unclear.

NM_000400.4(ERCC2):c.1130A>T (p.Glu377Val)

Gene: ERCC2 (ERCC excision repair 2, TFIIH core complex helicase subunit; minus strand). Cytogenetic location: 19q13.32.
Variant type: single nucleotide variant.
Coding change: c.1130A>T on transcript NM_000400.4 (MANE Select); coding-DNA position 1130, A replaced by T.
Protein change: p.Glu377Val; replaces glutamic acid 377 with valine.
Molecular consequence: missense variant.
Genome position (GRCh38, 1-based): chr19:45,361,631, T>A on the plus strand (A>T on the coding strand, the complement: ERCC2 is on the minus strand). VCF-style: chr19-45361631-T-A. GRCh37 (hg19) VCF-style: chr19-45864889-T-A.
Other names: c.1058A>T, p.Glu353Val (NM_001130867.2); short protein forms E377V, E353V.
Identifiers: ClinVar variation 1728152 (VCV001728152.2), dbSNP rs1972223779, ClinGen allele CA406370172.